The following is an entry in ClinVar:

NM_000553.6(WRN):c.1652+3G>T

Gene: WRN (WRN RecQ like helicase; plus strand). Cytogenetic location: 8p12.
Variant type: single nucleotide variant.
Coding change: c.1652+3G>T on transcript NM_000553.6 (MANE Select); 3 bases into the intron after coding-DNA position 1652, G replaced by T.
Molecular consequence: intron variant.
Genome position (GRCh38, 1-based): chr8:31,088,968, G>T. VCF-style: chr8-31088968-G-T. GRCh37 (hg19) VCF-style: chr8-30946484-G-T.
Identifiers: ClinVar variation 2860455 (VCV002860455.3), dbSNP rs2535927406, ClinGen allele CA2739280000.
Genomic context (GRCh38, chr8:31,088,968, plus strand): 5'-CCAATGAAGAGCAAGTTACTTGCCTCAAGATGTACTTTGGCCATTCCAGTTTTAAACCGT[G>T]AGTATAATCTCATTTAATCAAATCACATATTTAGTATTCTCTTTAAAACAAGGGAAAAGG-3'

ClinVar aggregate classification (germline): Uncertain significance (1 of 4 stars; one submission).

Conditions:
Werner syndrome (WRN). Identifiers: Orphanet 902, MedGen C0043119, MONDO:0010196, OMIM 277700.

Submission:

Labcorp Genetics (formerly Invitae), Labcorp
Classification: Uncertain significance for Werner syndrome. Last evaluated: 2023-04-29. Review status: criteria provided, single submitter. Criteria: Invitae Variant Classification Sherloc (09022015). Collection method: clinical testing. Allele origin: germline.
Comment: This sequence change falls in intron 13 of the WRN gene. It does not directly change the encoded amino acid sequence of the WRN protein. It affects a nucleotide within the consensus splice site. This variant is not present in population databases (gnomAD no frequency). This variant has not been reported in the literature in individuals affected with WRN-related conditions. Variants that disrupt the consensus splice site are a relatively common cause of aberrant splicing (PMID: 17576681, 9536098). Algorithms developed to predict the effect of sequence changes on RNA splicing suggest that this variant is not likely to affect RNA splicing. In summary, the available evidence is currently insufficient to determine the role of this variant in disease. Therefore, it has been classified as a Variant of Uncertain Significance.

Literature cited by the submitters: PubMed 17576681; PubMed 9536098.